The following is an entry in ClinVar:

ClinVar aggregate classification (germline): Likely benign (1 of 4 stars; one submission).

gnomAD v4.1: 42,080 of 1,440,378 alleles (2.9%); highest among the groups gnomAD compares: Admixed American, 11%; 1,047 homozygotes.

Submission:

GeneDx
Classification: Likely benign. Last evaluated: 2018-07-09. Review status: criteria provided, single submitter. Criteria: GeneDx Variant Classification Process June 2021. Collection method: clinical testing. Allele origin: germline. Affected: yes.
Comment: See Variant Classification Assertion Criteria.

NM_144691.4(CAPN12):c.-69A>G

Gene: CAPN12 (calpain 12; minus strand). Cytogenetic location: 19q13.2.
Variant type: single nucleotide variant.
Coding change: c.-69A>G on transcript NM_144691.4 (MANE Select); 69 bases upstream of the start codon, A replaced by G.
Molecular consequence: 5 prime UTR variant.
Genome position (GRCh38, 1-based): chr19:38,744,234, T>C on the plus strand (A>G on the coding strand, the complement: CAPN12 is on the minus strand). VCF-style: chr19-38744234-T-C. GRCh37 (hg19) VCF-style: chr19-39234874-T-C.
Identifiers: ClinVar variation 4795393 (VCV004795393.1).